The following is an entry in ClinVar:

ClinVar aggregate classification (germline): Uncertain significance (1 of 4 stars; one submission).

Conditions:
Brody myopathy. Also called: BRODY DISEASE. Identifiers: Orphanet 53347, MedGen C1832918, MONDO:0010977, OMIM 601003.

Submission:

Labcorp Genetics (formerly Invitae), Labcorp
Classification: Uncertain significance for Brody myopathy. Last evaluated: 2019-07-22. Review status: criteria provided, single submitter. Criteria: Invitae Variant Classification Sherloc (09022015). Collection method: clinical testing. Allele origin: germline.
Comment: In summary, the available evidence is currently insufficient to determine the role of this variant in disease. Therefore, it has been classified as a Variant of Uncertain Significance. Algorithms developed to predict the effect of missense changes on protein structure and function are either unavailable or do not agree on the potential impact of this missense change (SIFT: "Deleterious"; PolyPhen-2: "Benign"; Align-GVGD: "Class C0"). This variant has not been reported in the literature in individuals with ATP2A1-related conditions. This variant is not present in population databases (ExAC no frequency). This sequence change replaces alanine with valine at codon 240 of the ATP2A1 protein (p.Ala240Val). The alanine residue is moderately conserved and there is a small physicochemical difference between alanine and valine.

NM_004320.6(ATP2A1):c.719C>T (p.Ala240Val)

Gene: ATP2A1 (ATPase sarcoplasmic/endoplasmic reticulum Ca2+ transporting 1; plus strand). Cytogenetic location: 16p11.2.
Variant type: single nucleotide variant.
Coding change: c.719C>T on transcript NM_004320.6 (MANE Select); coding-DNA position 719, C replaced by T.
Protein change: p.Ala240Val; replaces alanine 240 with valine.
Molecular consequence: missense variant.
Genome position (GRCh38, 1-based): chr16:28,887,513, C>T. VCF-style: chr16-28887513-C-T. GRCh37 (hg19) VCF-style: chr16-28898834-C-T.
Other names: c.344C>T, p.Ala115Val (NM_001286075.2); c.719C>T, p.Ala240Val (NM_173201.5); short protein forms A115V, A240V.
Identifiers: ClinVar variation 952120 (VCV000952120.8), dbSNP rs1963647063, ClinGen allele CA395403807.